The following is an entry in ClinVar:

NM_012243.3(SLC35A3):c.959G>A (p.Gly320Glu)

Gene: SLC35A3 (solute carrier family 35 member A3; plus strand). Cytogenetic location: 1p21.2.
Variant type: single nucleotide variant.
Coding change: c.959G>A on transcript NM_012243.3 (MANE Select); coding-DNA position 959, G replaced by A.
Protein change: p.Gly320Glu; replaces glycine 320 with glutamic acid.
Molecular consequence: missense variant. On other transcripts: 3 prime UTR variant (1).
Genome position (GRCh38, 1-based): chr1:100,022,457, G>A. VCF-style: chr1-100022457-G-A. GRCh37 (hg19) VCF-style: chr1-100488013-G-A.
Other names: c.*43G>A (NM_001271684.2); c.1085G>A, p.Gly362Glu (NM_001271685.2); short protein forms G320E, G362E.
Identifiers: ClinVar variation 541611 (VCV000541611.11), dbSNP rs1553205151, ClinGen allele CA341319034.

ClinVar aggregate classification (germline): Uncertain significance. Review status: criteria provided, single submitter (1 of 4 stars). 2 submissions from 2 submitters: Uncertain significance (1). 1 of the submissions does not count toward it. Last evaluated 2022-08-23.

Conditions:
Autism spectrum disorder - epilepsy - arthrogryposis syndrome (AMRS). Identifiers: Orphanet 370943, MedGen C3809910, MONDO:0014248, OMIM 615553.

Allele frequency attached by ClinVar (database versions not stated): gnomAD exomes below 0.00001.
gnomAD v4.1: 4 of 1,593,808 alleles (0.00025%); highest among the groups gnomAD compares: Admixed American, 0.0017%; no homozygotes.

Submissions (2):

Labcorp Genetics (formerly Invitae), Labcorp
Classification: Uncertain significance for Autism spectrum disorder - epilepsy - arthrogryposis syndrome. Last evaluated: 2022-08-23. Review status: criteria provided, single submitter. Criteria: Invitae Variant Classification Sherloc (09022015). Collection method: clinical testing. Allele origin: germline.
Comment: This sequence change replaces glycine, which is neutral and non-polar, with glutamic acid, which is acidic and polar, at codon 320 of the SLC35A3 protein (p.Gly320Glu). This variant is not present in population databases (gnomAD no frequency). This variant has not been reported in the literature in individuals affected with SLC35A3-related conditions. ClinVar contains an entry for this variant (Variation ID: 541611). Algorithms developed to predict the effect of missense changes on protein structure and function (SIFT, PolyPhen-2, Align-GVGD) all suggest that this variant is likely to be tolerated. In summary, the available evidence is currently insufficient to determine the role of this variant in disease. Therefore, it has been classified as a Variant of Uncertain Significance.

Natera, Inc.
Classification: Uncertain significance for Arthrogryposis, mental retardation, and seizures. Last evaluated: 2021-03-13. Review status: no assertion criteria provided. Collection method: clinical testing. Allele origin: germline. Not counted in ClinVar's aggregate classification.